The following is an entry in ClinVar:

ClinVar aggregate classification (germline): Pathogenic (1 of 4 stars; one submission).

Conditions:
Danon disease. Also called: PSEUDOGLYCOGENOSIS II; GSD IIb; LYSOSOMAL GLYCOGEN STORAGE DISEASE WITHOUT ACID MALTASE DEFICIENCY; ANTOPOL DISEASE; Glycogen Storage Disease Type IIb. Identifiers: Orphanet 34587, MedGen C0878677, MONDO:0010281, OMIM 300257.

Submission:

Labcorp Genetics (formerly Invitae), Labcorp
Classification: Pathogenic for Danon disease. Last evaluated: 2022-03-09. Review status: criteria provided, single submitter. Criteria: Invitae Variant Classification Sherloc (09022015). Collection method: clinical testing. Allele origin: germline.
Comment: This variant has not been reported in the literature in individuals affected with LAMP2-related conditions. This variant is not present in population databases (gnomAD no frequency). This sequence change creates a premature translational stop signal (p.Tyr281*) in the LAMP2 gene. It is expected to result in an absent or disrupted protein product. Loss-of-function variants in LAMP2 are known to be pathogenic (PMID: 21415759). ClinVar contains an entry for this variant (Variation ID: 575405). For these reasons, this variant has been classified as Pathogenic.

Literature cited by the submitters: PubMed 21415759.

NM_002294.3(LAMP2):c.843T>G (p.Tyr281Ter)

Gene: LAMP2 (lysosome associated membrane protein 2; minus strand). Cytogenetic location: Xq24.
Variant type: single nucleotide variant.
Coding change: c.843T>G on transcript NM_002294.3 (MANE Select); coding-DNA position 843, T replaced by G.
Protein change: p.Tyr281Ter; replaces tyrosine 281 with a stop codon.
Molecular consequence: nonsense.
Genome position (GRCh38, 1-based): chrX:120,446,326, A>C on the plus strand (T>G on the coding strand, the complement: LAMP2 is on the minus strand). VCF-style: chrX-120446326-A-C. GRCh37 (hg19) VCF-style: chrX-119580181-A-C.
Other names: c.843T>G, p.Tyr281Ter (NM_001122606.1, NM_013995.2); short protein forms Y281*.
Identifiers: ClinVar variation 575405 (VCV000575405.9), dbSNP rs1569369194, ClinGen allele CA414400757.